The following is an entry in ClinVar:

NM_007126.5(VCP):c.577-2A>G

Gene: VCP (valosin containing protein; minus strand). Cytogenetic location: 9p13.3.
Variant type: single nucleotide variant.
Coding change: c.577-2A>G on transcript NM_007126.5 (MANE Select); the canonical splice acceptor site of the intron before coding-DNA position 577, A replaced by G.
Molecular consequence: splice acceptor variant.
Genome position (GRCh38, 1-based): chr9:35,064,287, T>C on the plus strand (A>G on the coding strand, the complement: VCP is on the minus strand). VCF-style: chr9-35064287-T-C. GRCh37 (hg19) VCF-style: chr9-35064284-T-C.
Other names: c.442-2A>G (NM_001354927.2, NM_001354928.2).
Identifiers: ClinVar variation 1038018 (VCV001038018.7), dbSNP rs1828784075, ClinGen allele CA373287295.

ClinVar aggregate classification (germline): Likely pathogenic (1 of 4 stars; one submission).

Conditions:
Frontotemporal dementia and/or amyotrophic lateral sclerosis 6 (FTDALS6). Also called: VCP-Related Amyotrophic Lateral Sclerosis; VCP-Related Amyotrophic Lateral Sclerosis/Frontotemporal Dementia. Identifiers: Orphanet 275872, Orphanet 803, MedGen C5436279, MONDO:0013501, OMIM 613954.
Inclusion body myopathy with Paget disease of bone and frontotemporal dementia. Also called: Inclusion body myopathy with early-onset Paget disease and frontotemporal dementia. Identifiers: Orphanet 52430, MedGen C1833662, MONDO:0000507.

Allele frequency attached by ClinVar (database versions not stated): gnomAD exomes below 0.00001.
gnomAD v4.1: 1 of 1,614,092 alleles (0.000062%); highest among the groups gnomAD compares: Non-Finnish European, 0.000085%; no homozygotes.

Submission:

Labcorp Genetics (formerly Invitae), Labcorp
Classification: Likely pathogenic for Inclusion body myopathy with Paget disease of bone and frontotemporal dementia; Frontotemporal dementia and/or amyotrophic lateral sclerosis 6. Last evaluated: 2024-08-08. Review status: criteria provided, single submitter. Criteria: Invitae Variant Classification Sherloc (09022015). Collection method: clinical testing. Allele origin: germline.
Comment: This sequence change affects an acceptor splice site in intron 5 of the VCP gene. It is expected to disrupt RNA splicing. Variants that disrupt the donor or acceptor splice site typically lead to a loss of protein function (PMID: 16199547), and loss-of-function variants in VCP are known to be pathogenic (PMID: 37883978). This variant is not present in population databases (gnomAD no frequency). This variant has not been reported in the literature in individuals affected with VCP-related conditions. ClinVar contains an entry for this variant (Variation ID: 1038018). Algorithms developed to predict the effect of sequence changes on RNA splicing suggest that this variant may disrupt the consensus splice site. In summary, the currently available evidence indicates that the variant is pathogenic, but additional data are needed to prove that conclusively. Therefore, this variant has been classified as Likely Pathogenic.

Literature cited by the submitters: PubMed 16199547; PubMed 37883978.